The following is an entry in ClinVar:

NM_003280.3(TNNC1):c.429C>A (p.Asn143Lys)

Gene: TNNC1 (troponin C1, slow skeletal and cardiac type; minus strand). Cytogenetic location: 3p21.1.
Variant type: single nucleotide variant.
Coding change: c.429C>A on transcript NM_003280.3 (MANE Select); coding-DNA position 429, C replaced by A.
Protein change: p.Asn143Lys; replaces asparagine 143 with lysine.
Molecular consequence: missense variant.
Genome position (GRCh38, 1-based): chr3:52,451,416, G>T on the plus strand (C>A on the coding strand, the complement: TNNC1 is on the minus strand). VCF-style: chr3-52451416-G-T. GRCh37 (hg19) VCF-style: chr3-52485432-G-T.
Other names: short protein forms N143K.
Identifiers: ClinVar variation 2931069 (VCV002931069.3), dbSNP rs1578263746, ClinGen allele CA353165144.

ClinVar aggregate classification (germline): Uncertain significance (1 of 4 stars; one submission).

Conditions:
Hypertrophic cardiomyopathy 13. Also called: TNNC1-Related Familial Hypertrophic Cardiomyopathy. Identifiers: MedGen C2750472, MONDO:0013195, OMIM 613243.
Dilated cardiomyopathy 1Z (CMD1Z). Identifiers: Orphanet 154, MedGen C2678475, MONDO:0012745, OMIM 611879.

gnomAD v4.1: 2 of 1,614,174 alleles (0.00012%); highest among the groups gnomAD compares: Non-Finnish European, 0.00017%; no homozygotes.

Submission:

Labcorp Genetics (formerly Invitae), Labcorp
Classification: Uncertain significance for Hypertrophic cardiomyopathy 13; Dilated cardiomyopathy 1Z. Last evaluated: 2023-05-17. Review status: criteria provided, single submitter. Criteria: Invitae Variant Classification Sherloc (09022015). Collection method: clinical testing. Allele origin: germline.
Comment: This variant has not been reported in the literature in individuals affected with TNNC1-related conditions. This sequence change replaces asparagine, which is neutral and polar, with lysine, which is basic and polar, at codon 143 of the TNNC1 protein (p.Asn143Lys). This variant is not present in population databases (gnomAD no frequency). An algorithm developed to predict the effect of missense changes on protein structure and function (PolyPhen-2) suggests that this variant is likely to be disruptive. In summary, the available evidence is currently insufficient to determine the role of this variant in disease. Therefore, it has been classified as a Variant of Uncertain Significance.